The following is an entry in ClinVar:

ClinVar aggregate classification (germline): Likely benign. Review status: criteria provided, multiple submitters, no conflicts (2 of 4 stars). 7 submissions from 7 submitters: Likely benign (7). Last evaluated 2026-08-01.

Conditions:
CDH23-related disorder. Also called: CDH23-related condition; CDH23-related disorders.

Allele frequency attached by ClinVar (database versions not stated): ExAC 0.00003; gnomAD exomes 0.00007 and 0.00031; 1000 Genomes Project 0.00060; gnomAD 0.00074 and 0.00075; TOPMed 0.00088; 1000 Genomes Project 30x 0.00094.

Submissions (7):

CeGaT Center for Human Genetics Tuebingen
Classification: Likely benign. Last evaluated: 2026-08-01. Review status: criteria provided, single submitter. Criteria: CeGaT Center For Human Genetics Tuebingen Variant Classification Criteria Version 2. Collection method: clinical testing. Allele origin: germline. Affected: yes. Observed: 1 variant allele.
Comment: CDH23: BP4, BP7

Labcorp Genetics (formerly Invitae), Labcorp
Classification: Likely benign. Last evaluated: 2026-01-19. Review status: criteria provided, single submitter. Criteria: Invitae Variant Classification Sherloc (09022015). Collection method: clinical testing. Allele origin: germline.

PreventionGenetics, part of Exact Sciences
Classification: Likely benign for CDH23-related condition. Last evaluated: 2024-10-21. Review status: criteria provided, single submitter. Criteria: ACMG Guidelines, 2015. Collection method: clinical testing. Allele origin: germline.
Comment: This variant is classified as likely benign based on ACMG/AMP sequence variant interpretation guidelines (Richards et al. 2015 PMID: 25741868, with internal and published modifications).

Blueprint Genetics
Classification: Likely benign. Last evaluated: 2023-12-21. Review status: criteria provided, single submitter. Criteria: ACMG Guidelines, 2015. Collection method: clinical testing. Allele origin: germline.

GeneDx
Classification: Likely benign. Last evaluated: 2021-10-27. Review status: criteria provided, single submitter. Criteria: GeneDx Variant Classification Process June 2021. Collection method: clinical testing. Allele origin: germline. Affected: yes.

ARUP Laboratories, Molecular Genetics and Genomics, ARUP Laboratories
Classification: Likely benign. Last evaluated: 2017-02-16. Review status: criteria provided, single submitter. Criteria: ARUP Molecular Germline Variant Investigation Process. Collection method: clinical testing. Allele origin: germline.

Laboratory for Molecular Medicine, Mass General Brigham Personalized Medicine
Classification: Likely benign. Last evaluated: 2014-05-02. Review status: criteria provided, single submitter. Criteria: LMM Criteria. Collection method: clinical testing. Allele origin: germline. Observed: 1 variant allele.
Comment: Thr1504Thr in exon 37 of CDH23: This variant is not expected to have clinical si gnificance because it does not alter an amino acid residue and is not located wi thin the splice consensus sequence.

NM_022124.6(CDH23):c.4512C>G (p.Thr1504=)

Gene: CDH23 (cadherin related 23; plus strand). Cytogenetic location: 10q22.1.
Variant type: single nucleotide variant.
Coding change: c.4512C>G on transcript NM_022124.6 (MANE Select); coding-DNA position 4512, C replaced by G.
Protein change: p.Thr1504=; no amino-acid change (threonine 1504 retained).
Molecular consequence: synonymous variant.
Genome position (GRCh38, 1-based): chr10:71,740,845, C>G. VCF-style: chr10-71740845-C-G. GRCh37 (hg19) VCF-style: chr10-73500602-C-G.
Identifiers: ClinVar variation 179715 (VCV000179715.25), dbSNP rs562273075, ClinGen allele CA184983.